The following is an entry in ClinVar:

ClinVar aggregate classification (germline): Uncertain significance (1 of 4 stars; one submission).

Submission:

CeGaT Center for Human Genetics Tuebingen
Classification: Uncertain significance. Last evaluated: 2026-08-01. Review status: criteria provided, single submitter. Criteria: CeGaT Center For Human Genetics Tuebingen Variant Classification Criteria Version 2. Collection method: clinical testing. Allele origin: germline. Affected: yes. Observed: 1 variant allele.
Comment: NBEA: PM2, BP4

NM_001385012.1(NBEA):c.6317A>C (p.Asp2106Ala)

Gene: NBEA (neurobeachin; plus strand). Cytogenetic location: 13q13.3.
Variant type: single nucleotide variant.
Coding change: c.6317A>C on transcript NM_001385012.1 (MANE Select); coding-DNA position 6317, A replaced by C.
Protein change: p.Asp2106Ala; replaces aspartic acid 2106 with alanine.
Molecular consequence: missense variant.
Genome position (GRCh38, 1-based): chr13:35,452,104, A>C. VCF-style: chr13-35452104-A-C. GRCh37 (hg19) VCF-style: chr13-36026241-A-C.
Other names: c.6308A>C, p.Asp2103Ala (NM_001379245.1); c.6317A>C, p.Asp2106Ala (NM_015678.5); short protein forms D2103A, D2106A.
Identifiers: ClinVar variation 5039075 (VCV005039075.1).